The following is an entry in ClinVar:

NM_001330588.2(TPP2):c.2276C>G (p.Ala759Gly)

Gene: TPP2 (tripeptidyl peptidase 2; plus strand). Cytogenetic location: 13q33.1.
Variant type: single nucleotide variant.
Coding change: c.2276C>G on transcript NM_001330588.2 (MANE Select); coding-DNA position 2276, C replaced by G.
Protein change: p.Ala759Gly; replaces alanine 759 with glycine.
Molecular consequence: missense variant. On other transcripts: non-coding transcript variant (1).
Genome position (GRCh38, 1-based): chr13:102,644,657, C>G. VCF-style: chr13-102644657-C-G. GRCh37 (hg19) VCF-style: chr13-103297007-C-G.
Other names: c.2276C>G, p.Ala759Gly (NM_001367947.1, NM_003291.4); short protein forms A759G.
Identifiers: ClinVar variation 3721724 (VCV003721724.2).
Genomic context (GRCh38, chr13:102,644,657, plus strand): 5'-CAAGTCTCAGTGATGTCAACATTGATTATACCATTTCTTTCCATGGGATAGTGTGTACTG[C>G]TCCTCAGTTAAACATTGTAAGTTCCACAACATTTTCATGATTTTTAATGTCAGTTACTTG-3'
Protein context (NP_001317517.1, residues 749-769): TISFHGIVCT[Ala759Gly]PQLNIHASEG

ClinVar aggregate classification (germline): Uncertain significance (1 of 4 stars; one submission).

Conditions:
Evans syndrome, immunodeficiency, and premature immunosenescence associated with tripeptidyl-peptidase II deficiency. Identifiers: MedGen CN231723. Disease mechanism: loss of function.

Submission:

Labcorp Genetics (formerly Invitae), Labcorp
Classification: Uncertain significance for Evans syndrome, immunodeficiency, and premature immunosenescence associated with tripeptidyl-peptidase II deficiency. Last evaluated: 2024-09-28. Review status: criteria provided, single submitter. Criteria: Invitae Variant Classification Sherloc (09022015). Collection method: clinical testing. Allele origin: germline.
Comment: This sequence change replaces alanine, which is neutral and non-polar, with glycine, which is neutral and non-polar, at codon 759 of the TPP2 protein (p.Ala759Gly). This variant is not present in population databases (gnomAD no frequency). This variant has not been reported in the literature in individuals affected with TPP2-related conditions. An algorithm developed to predict the effect of missense changes on protein structure and function (PolyPhen-2) suggests that this variant is likely to be tolerated. In summary, the available evidence is currently insufficient to determine the role of this variant in disease. Therefore, it has been classified as a Variant of Uncertain Significance.